The following is an entry in ClinVar:

ClinVar aggregate classification (germline): Pathogenic. Review status: criteria provided, multiple submitters, no conflicts (2 of 4 stars). 2 submissions from 2 submitters: Pathogenic (2). Last evaluated 2025-12-04.

Conditions:
Familial cancer of breast. Also called: Hereditary breast cancer; BREAST CANCER, FAMILIAL; hereditary breast carcinoma. Identifiers: Orphanet 227535, MedGen C0346153, MONDO:0016419, OMIM 114480. Disease mechanism: loss of function.
Hereditary cancer-predisposing syndrome. Also called: Tumor predisposition; Hereditary neoplastic syndrome; Neoplastic Syndromes, Hereditary; Hereditary Cancer Syndrome. Identifiers: Orphanet 140162, MedGen C0027672, MeSH D009386, MONDO:0015356.

Submissions (2):

Ambry Genetics
Classification: Pathogenic for Hereditary cancer-predisposing syndrome. Last evaluated: 2025-12-04. Review status: criteria provided, single submitter. Criteria: Ambry Variant Classification Scheme 2023. Collection method: clinical testing. Allele origin: germline.
Comment: The c.688delG pathogenic mutation, located in coding exon 5 of the CHEK2 gene, results from a deletion of one nucleotide at nucleotide position 688, causing a translational frameshift with a predicted alternate stop codon (p.A230Pfs*5). This variant is considered to be rare based on population cohorts in the Genome Aggregation Database (gnomAD). This alteration is expected to result in loss of function by premature protein truncation or nonsense-mediated mRNA decay. As such, this alteration is interpreted as a disease-causing mutation.

Myriad Genetics, Inc.
Classification: Pathogenic for Familial cancer of breast. Last evaluated: 2023-06-26. Review status: criteria provided, single submitter. Criteria: Myriad Autosomal Dominant, Autosomal Recessive and X-Linked Classification Criteria (2023). Collection method: clinical testing. Allele origin: unknown.
Comment: This variant is considered pathogenic. This variant creates a frameshift predicted to result in premature protein truncation.

NM_007194.4(CHEK2):c.688del (p.Ala230fs)

Gene: CHEK2 (checkpoint kinase 2; minus strand). Cytogenetic location: 22q12.1.
Variant type: Deletion.
Coding change: c.688del on transcript NM_007194.4 (MANE Select); coding-DNA position 688, one base deleted (G; older notation c.688delG).
Protein change: p.Ala230fs; shifts the reading frame from alanine 230.
Molecular consequence: frameshift variant.
Genome position (GRCh38, 1-based): chr22:28,712,013, C deleted on the plus strand (G on the coding strand, the reverse complement: CHEK2 is on the minus strand). VCF-style (leftmost placement, unchanged base first): chr22-28712012-GC-G. GRCh37 (hg19) VCF-style: chr22-29108000-GC-G.
Other names: c.817delG, p.Ala273Profs (NM_001005735.3); c.25delG, p.Ala9Profs (NM_001257387.3); c.487delG, p.Ala163Profs (NM_001349956.3); c.688delG, p.Ala230Profs (NM_145862.3); c.688delG (NM_007194.3); short protein forms A163fs, A230fs, A273fs, A9fs.
Identifiers: ClinVar variation 2583289 (VCV002583289.3), dbSNP rs2517964610, ClinGen allele CA2582342780.